The following is an entry in ClinVar:

NM_019594.4(LRRC8A):c.1310G>A (p.Gly437Asp)

Gene: LRRC8A (leucine rich repeat containing 8 VRAC subunit A; plus strand). Cytogenetic location: 9q34.11.
Variant type: single nucleotide variant.
Coding change: c.1310G>A on transcript NM_019594.4 (MANE Select); coding-DNA position 1310, G replaced by A.
Protein change: p.Gly437Asp; replaces glycine 437 with aspartic acid.
Molecular consequence: missense variant.
Genome position (GRCh38, 1-based): chr9:128,908,474, G>A. VCF-style: chr9-128908474-G-A. GRCh37 (hg19) VCF-style: chr9-131670753-G-A.
Other names: c.1310G>A, p.Gly437Asp (NM_001127244.2, NM_001127245.2); short protein forms G437D.
Identifiers: ClinVar variation 2814469 (VCV002814469.3), dbSNP rs1840350679, ClinGen allele CA375080494.

ClinVar aggregate classification (germline): Uncertain significance (1 of 4 stars; one submission).

Submission:

Labcorp Genetics (formerly Invitae), Labcorp
Classification: Uncertain significance. Last evaluated: 2022-11-15. Review status: criteria provided, single submitter. Criteria: Invitae Variant Classification Sherloc (09022015). Collection method: clinical testing. Allele origin: germline.
Comment: This variant has not been reported in the literature in individuals affected with LRRC8A-related conditions. This sequence change replaces glycine, which is neutral and non-polar, with aspartic acid, which is acidic and polar, at codon 437 of the LRRC8A protein (p.Gly437Asp). This variant is not present in population databases (gnomAD no frequency). Algorithms developed to predict the effect of missense changes on protein structure and function (SIFT, PolyPhen-2, Align-GVGD) all suggest that this variant is likely to be disruptive. In summary, the available evidence is currently insufficient to determine the role of this variant in disease. Therefore, it has been classified as a Variant of Uncertain Significance.